The following is an entry in ClinVar:

NM_001453.3(FOXC1):c.509G>A (p.Arg170Gln)

Gene: FOXC1 (forkhead box C1; plus strand). Cytogenetic location: 6p25.3.
Variant type: single nucleotide variant.
Coding change: c.509G>A on transcript NM_001453.3 (MANE Select); coding-DNA position 509, G replaced by A.
Protein change: p.Arg170Gln; replaces arginine 170 with glutamine.
Molecular consequence: missense variant.
Genome position (GRCh38, 1-based): chr6:1,610,954, G>A. VCF-style: chr6-1610954-G-A. GRCh37 (hg19) VCF-style: chr6-1611189-G-A.
Other names: short protein forms R170Q.
Identifiers: ClinVar variation 1379072 (VCV001379072.6), dbSNP rs2113111855, ClinGen allele CA362558986.

ClinVar aggregate classification (germline): Uncertain significance (1 of 4 stars; one submission).

Conditions:
Axenfeld-Rieger syndrome type 3 (RIEG3). Also called: AXENFELD-RIEGER ANOMALY WITH CARDIAC DEFECTS AND/OR SENSORINEURAL HEARING LOSS. Identifiers: Orphanet 782, MedGen C2678503, MONDO:0011233, OMIM 602482.

Submission:

Labcorp Genetics (formerly Invitae), Labcorp
Classification: Uncertain significance for Axenfeld-Rieger syndrome type 3. Last evaluated: 2024-12-02. Review status: criteria provided, single submitter. Criteria: Invitae Variant Classification Sherloc (09022015). Collection method: clinical testing. Allele origin: germline.
Comment: This sequence change replaces arginine, which is basic and polar, with glutamine, which is neutral and polar, at codon 170 of the FOXC1 protein (p.Arg170Gln). This variant is not present in population databases (gnomAD no frequency). This variant has not been reported in the literature in individuals affected with FOXC1-related conditions. ClinVar contains an entry for this variant (Variation ID: 1379072). An algorithm developed to predict the effect of missense changes on protein structure and function (PolyPhen-2) suggests that this variant is likely to be disruptive. This variant disrupts the p.Arg170 amino acid residue in FOXC1. Other variant(s) that disrupt this residue have been determined to be pathogenic (PMID: 23239455; internal data). This suggests that this residue is clinically significant, and that variants that disrupt this residue are likely to be disease-causing. In summary, the available evidence is currently insufficient to determine the role of this variant in disease. Therefore, it has been classified as a Variant of Uncertain Significance.

Literature cited by the submitters: PubMed 23239455.